The following is an entry in ClinVar:

ClinVar aggregate classification (germline): Uncertain significance (1 of 4 stars; one submission).

Allele frequency attached by ClinVar (database versions not stated): gnomAD exomes below 0.00001.
gnomAD v4.1: 1 of 1,614,236 alleles (0.000062%); highest among the groups gnomAD compares: Non-Finnish European, 0.000085%; no homozygotes.

Submission:

Labcorp Genetics (formerly Invitae), Labcorp
Classification: Uncertain significance. Last evaluated: 2023-01-10. Review status: criteria provided, single submitter. Criteria: Invitae Variant Classification Sherloc (09022015). Collection method: clinical testing. Allele origin: germline.
Comment: In summary, the available evidence is currently insufficient to determine the role of this variant in disease. Therefore, it has been classified as a Variant of Uncertain Significance. Advanced modeling of protein sequence and biophysical properties (such as structural, functional, and spatial information, amino acid conservation, physicochemical variation, residue mobility, and thermodynamic stability) performed at Invitae indicates that this missense variant is not expected to disrupt PRPF6 protein function. This variant has not been reported in the literature in individuals affected with PRPF6-related conditions. This variant is not present in population databases (gnomAD no frequency). This sequence change replaces threonine, which is neutral and polar, with asparagine, which is neutral and polar, at codon 828 of the PRPF6 protein (p.Thr828Asn).

NM_012469.4(PRPF6):c.2483C>A (p.Thr828Asn)

Gene: PRPF6 (pre-mRNA processing factor 6; plus strand). Cytogenetic location: 20q13.33.
Variant type: single nucleotide variant.
Coding change: c.2483C>A on transcript NM_012469.4 (MANE Select); coding-DNA position 2483, C replaced by A.
Protein change: p.Thr828Asn; replaces threonine 828 with asparagine.
Molecular consequence: missense variant.
Genome position (GRCh38, 1-based): chr20:64,029,428, C>A. VCF-style: chr20-64029428-C-A. GRCh37 (hg19) VCF-style: chr20-62660781-C-A.
Other names: short protein forms T828N.
Identifiers: ClinVar variation 2997747 (VCV002997747.3), dbSNP rs2517654094, ClinGen allele CA409743722.